The following is an entry in ClinVar:

ClinVar aggregate classification (germline): Uncertain significance (1 of 4 stars; one submission).

Conditions:
Pitt-Hopkins-like syndrome 2 (PTHSL2). Identifiers: Orphanet 221150, Orphanet 600663, MedGen C3280479, MONDO:0013690, OMIM 614325.

gnomAD v4.1: 1 of 1,613,286 alleles (0.000062%); highest among the groups gnomAD compares: Admixed American, 0.0017%; no homozygotes.

Submission:

Labcorp Genetics (formerly Invitae), Labcorp
Classification: Uncertain significance for Pitt-Hopkins-like syndrome 2. Last evaluated: 2021-10-07. Review status: criteria provided, single submitter. Criteria: Invitae Variant Classification Sherloc (09022015). Collection method: clinical testing. Allele origin: germline.
Comment: This sequence change replaces lysine with arginine at codon 1170 of the NRXN1 protein (p.Lys1170Arg). The lysine residue is highly conserved and there is a small physicochemical difference between lysine and arginine. In summary, the available evidence is currently insufficient to determine the role of this variant in disease. Therefore, it has been classified as a Variant of Uncertain Significance. Algorithms developed to predict the effect of sequence changes on RNA splicing suggest that this variant may create or strengthen a splice site. Algorithms developed to predict the effect of missense changes on protein structure and function (SIFT, PolyPhen-2, Align-GVGD) all suggest that this variant is likely to be tolerated. This variant has not been reported in the literature in individuals affected with NRXN1-related conditions. This variant is not present in population databases (ExAC no frequency).

NM_001330078.2(NRXN1):c.3389A>G (p.Lys1130Arg)

Gene: NRXN1 (neurexin 1; minus strand). Cytogenetic location: 2p16.3.
Variant type: single nucleotide variant.
Coding change: c.3389A>G on transcript NM_001330078.2 (MANE Select); coding-DNA position 3389, A replaced by G.
Protein change: p.Lys1130Arg; replaces lysine 1130 with arginine.
Molecular consequence: missense variant.
Genome position (GRCh38, 1-based): chr2:50,236,946, T>C on the plus strand (A>G on the coding strand, the complement: NRXN1 is on the minus strand). VCF-style: chr2-50236946-T-C. GRCh37 (hg19) VCF-style: chr2-50464084-T-C.
Other names: c.3509A>G, p.Lys1170Arg (NM_001135659.3); c.3365A>G, p.Lys1122Arg (NM_001330077.2, NM_001330082.2); c.3323A>G, p.Lys1108Arg (NM_001330083.2, NM_001330084.2); c.3362A>G, p.Lys1121Arg (NM_001330085.2); c.3389A>G, p.Lys1130Arg (NM_001330086.2, NM_004801.6); c.3278A>G, p.Lys1093Arg (NM_001330087.2, NM_001330096.2); c.3308A>G, p.Lys1103Arg (NM_001330088.2); c.284A>G, p.Lys95Arg (NM_001330091.2, NM_001330092.2, NM_001330097.2 and 1 more transcripts); and 3 more; short protein forms K1113R, K1122R, K1129R, K1170R, K95R, K1103R, K1121R, K1093R.
Identifiers: ClinVar variation 1500237 (VCV001500237.6), dbSNP rs2152879482, ClinGen allele CA346821099.
Genomic context (GRCh38, chr2:50,236,946, plus strand): 5'-TCTGCTCGTGTACTGGGTCGGTCATTAGGAGGCCACTTATACGTGATTTGTCCACCACCT[T>C]TGCTAAAGATATATGTCGTCCCAGCTGGAAAACAAAAACCAAAACCAATTAGTCCAAATA-3'
Protein context (NP_001317007.1, residues 1120-1140): NDPGTTYIFS[Lys1130Arg]GGGQITYKWP